The following is an entry in ClinVar:

NM_000252.3(MTM1):c.343-100A>G

Gene: MTM1 (myotubularin 1; plus strand). Cytogenetic location: Xq28.
Variant type: single nucleotide variant.
Coding change: c.343-100A>G on transcript NM_000252.3 (MANE Select); 100 bases into the intron before coding-DNA position 343, A replaced by G.
Molecular consequence: intron variant.
Genome position (GRCh38, 1-based): chrX:150,618,938, A>G. VCF-style: chrX-150618938-A-G. GRCh37 (hg19) VCF-style: chrX-149787411-A-G.
Other names: c.343-100A>G (NM_001376908.1, NM_001376906.1); c.232-100A>G (NM_001376907.1).
Identifiers: ClinVar variation 681922 (VCV000681922.1), dbSNP rs222389, ClinGen allele CA337091200.

ClinVar aggregate classification (germline): Likely benign (1 of 4 stars; one submission).

Allele frequency attached by ClinVar (database versions not stated): gnomAD exomes 0.00199; gnomAD 0.01428 and 0.01524; 1000 Genomes Project 0.01563; TOPMed 0.01657; 1000 Genomes Project 30x 0.01665.

Submission:

GeneDx
Classification: Likely benign. Last evaluated: 2018-06-16. Review status: criteria provided, single submitter. Criteria: GeneDx Variant Classification (06012015). Collection method: clinical testing. Allele origin: germline. Affected: yes.
Comment: This variant is considered likely benign or benign based on one or more of the following criteria: it is a conservative change, it occurs at a poorly conserved position in the protein, it is predicted to be benign by multiple in silico algorithms, and/or has population frequency not consistent with disease.